The following is an entry in ClinVar:

NC_000002.11:g.(?_74597072)_(74607164_?)dup

Gene: DCTN1 (dynactin subunit 1; minus strand). Cytogenetic location: 2p13.1.
Variant type: Duplication.
Identifiers: ClinVar variation 2425019 (VCV002425019.5).

ClinVar aggregate classification (germline): Uncertain significance (1 of 4 stars; one submission).

Conditions:
Perry syndrome. Also called: PARKINSONISM WITH ALVEOLAR HYPOVENTILATION AND MENTAL DEPRESSION. Identifiers: Orphanet 178509, MedGen C1868594, MONDO:0008201, OMIM 168605.
Amyotrophic lateral sclerosis type 1 (ALS1). Also called: AMYOTROPHIC LATERAL SCLEROSIS 1, FAMILIAL. Identifiers: Orphanet 803, MedGen C1862939, MONDO:0007103, OMIM 105400.
Neuronopathy, distal hereditary motor, type 7B. Also called: Distal Hereditary Motor Neuronopathy Type 7B (dHMN7B); HMN VIIB; LOWER MOTOR NEURON DISEASE, DYNACTIN TYPE; NEURONOPATHY, DISTAL HEREDITARY MOTOR, AUTOSOMAL DOMINANT 14; NEURONOPATHY, DISTAL HEREDITARY MOTOR, HARDING TYPE VIIB; NEUROPATHY, DISTAL HEREDITARY MOTOR, HARDING TYPE VIIB. Identifiers: Orphanet 139589, MedGen C1843315, MONDO:0011879, OMIM 607641.

Submission:

Labcorp Genetics (formerly Invitae), Labcorp
Classification: Uncertain significance for Amyotrophic lateral sclerosis type 1; Neuronopathy, distal hereditary motor, type 7B; Perry syndrome. Last evaluated: 2022-09-23. Review status: criteria provided, single submitter. Criteria: Invitae Variant Classification Sherloc (09022015). Collection method: clinical testing. Allele origin: germline.
Comment: In summary, the available evidence is currently insufficient to determine the role of this variant in disease. Therefore, it has been classified as a Variant of Uncertain Significance. Experimental studies and prediction algorithms are not available or were not evaluated, and the functional significance of this variant is currently unknown. This variant has not been reported in the literature in individuals affected with DCTN1-related conditions. This variant results in a copy number gain of the genomic region encompassing exon(s) 1-13 of the DCTN1 gene. This region includes the initiator codon of the gene. This copy number gain extends beyond the assayed region for this gene and therefore may encompass additional genes. As the precise location of this event is unknown, it may be in tandem or it may be located elsewhere in the genome.